The following is an entry in ClinVar:

NM_080680.3(COL11A2):c.2730A>G (p.Gly910=)

Gene: COL11A2 (collagen type XI alpha 2 chain; minus strand). Cytogenetic location: 6p21.32.
Variant type: single nucleotide variant.
Coding change: c.2730A>G on transcript NM_080680.3 (MANE Select); coding-DNA position 2730, A replaced by G.
Protein change: p.Gly910=; no amino-acid change (glycine 910 retained).
Molecular consequence: synonymous variant.
Genome position (GRCh38, 1-based): chr6:33,173,354, T>C on the plus strand (A>G on the coding strand, the complement: COL11A2 is on the minus strand). VCF-style: chr6-33173354-T-C. GRCh37 (hg19) VCF-style: chr6-33141131-T-C.
Other names: c.2409A>G, p.Gly803= (NM_080679.3); c.2472A>G, p.Gly824= (NM_080681.3).
Identifiers: ClinVar variation 512181 (VCV000512181.6), dbSNP rs1554218154, ClinGen allele CA449880893.

ClinVar aggregate classification (germline): Likely benign. Review status: criteria provided, multiple submitters, no conflicts (2 of 4 stars). 2 submissions from 2 submitters: Likely benign (2). Last evaluated 2022-07-05.

Submissions (2):

Labcorp Genetics (formerly Invitae), Labcorp
Classification: Likely benign. Last evaluated: 2022-07-05. Review status: criteria provided, single submitter. Criteria: Invitae Variant Classification Sherloc (09022015). Collection method: clinical testing. Allele origin: germline.

GeneDx
Classification: Likely benign. Last evaluated: 2017-09-19. Review status: criteria provided, single submitter. Criteria: GeneDx Variant Classification (06012015). Collection method: clinical testing. Allele origin: germline. Affected: yes.
Comment: This variant is considered likely benign or benign based on one or more of the following criteria: it is a conservative change, it occurs at a poorly conserved position in the protein, it is predicted to be benign by multiple in silico algorithms, and/or has population frequency not consistent with disease.